The following is an entry in ClinVar:

ClinVar aggregate classification (germline): Uncertain significance (1 of 4 stars; one submission).

Conditions:
Immunodeficiency, common variable, 7. Identifiers: Orphanet 1572, Orphanet 696894, MedGen C3542922, MONDO:0013862, OMIM 614699.

Allele frequency attached by ClinVar (database versions not stated): gnomAD exomes below 0.00001.
gnomAD v4.1: 2 of 1,614,032 alleles (0.00012%); highest among the groups gnomAD compares: Non-Finnish European, 0.00017%; no homozygotes.

Submission:

Labcorp Genetics (formerly Invitae), Labcorp
Classification: Uncertain significance for Immunodeficiency, common variable, 7. Last evaluated: 2021-03-26. Review status: criteria provided, single submitter. Criteria: Invitae Variant Classification Sherloc (09022015). Collection method: clinical testing. Allele origin: germline.
Comment: In summary, the available evidence is currently insufficient to determine the role of this variant in disease. Therefore, it has been classified as a Variant of Uncertain Significance. Algorithms developed to predict the effect of missense changes on protein structure and function (SIFT, PolyPhen-2, Align-GVGD) all suggest that this variant is likely to be tolerated, but these predictions have not been confirmed by published functional studies and their clinical significance is uncertain. This variant has not been reported in the literature in individuals with CR2-related conditions. This variant is not present in population databases (ExAC no frequency). This sequence change replaces leucine with valine at codon 597 of the CR2 protein (p.Leu597Val). The leucine residue is moderately conserved and there is a small physicochemical difference between leucine and valine.

NM_001006658.3(CR2):c.1789C>G (p.Leu597Val)

Gene: CR2 (complement C3d receptor 2; plus strand). Cytogenetic location: 1q32.2.
Variant type: single nucleotide variant.
Coding change: c.1789C>G on transcript NM_001006658.3 (MANE Select); coding-DNA position 1789, C replaced by G.
Protein change: p.Leu597Val; replaces leucine 597 with valine.
Molecular consequence: missense variant.
Genome position (GRCh38, 1-based): chr1:207,472,990, C>G. VCF-style: chr1-207472990-C-G. GRCh37 (hg19) VCF-style: chr1-207646335-C-G.
Other names: c.1789C>G, p.Leu597Val (NM_001877.5); short protein forms L597V.
Identifiers: ClinVar variation 1382319 (VCV001382319.8), dbSNP rs2102305933, ClinGen allele CA344534428.